The following is an entry in ClinVar:

NM_006618.5(KDM5B):c.997_998insTAAA (p.Ser333fs)

Gene: KDM5B (lysine demethylase 5B; minus strand). Cytogenetic location: 1q32.1.
Variant type: Insertion.
Coding change: c.997_998insTAAA on transcript NM_006618.5 (MANE Select); coding-DNA positions 997 to 998, TAAA inserted.
Protein change: p.Ser333fs; shifts the reading frame from serine 333.
Molecular consequence: frameshift variant.
Genome position: GRCh38 VCF-style: chr1-202760494-C-CTTTA. GRCh37 (hg19) VCF-style: chr1-202729622-C-CTTTA.
Other names: c.1105_1106insTAAA, p.Ser369fs (NM_001314042.2); c.862_863insTAAA, p.Ser288fs (NM_001347591.2); c.982_983insTAAA, p.Ser328fs (NM_001399817.1); short protein forms S288fs, S328fs, S333fs, S369fs.
Identifiers: ClinVar variation 2630088 (VCV002630088.2), dbSNP rs2527565074, ClinGen allele CA2695199962.

ClinVar aggregate classification (germline): Likely pathogenic (0 of 4 stars; one submission).

Conditions:
KDM5B-related disorder. Also called: KDM5B-related condition.

Submission:

PreventionGenetics, part of Exact Sciences
Classification: Likely pathogenic for KDM5B-related condition. Last evaluated: 2024-04-05. Review status: no assertion criteria provided. Collection method: clinical testing. Allele origin: germline.
Comment: The KDM5B c.997_998insTAAA variant is predicted to result in a frameshift and premature protein termination (p.Ser333Ilefs*14). To our knowledge, this variant has not been reported in the literature or in a large population database, indicating this variant is rare. Protein truncating variants upstream and downstream of the c.997_998insTAAA variant have been reported to be pathogenic for autosomal recessive intellectual disability (Human Gene Mutation Database). In summary, we categorize the c.997_998insTAAA variant as likely pathogenic for autosomal recessive KDM5B-related disorders and as uncertain if this variant alone in the heterozygous state would be a primary cause of disease (see below).